The following is an entry in ClinVar:

ClinVar aggregate classification (germline): Uncertain significance (1 of 4 stars; one submission).

gnomAD v4.1: 30 of 1,613,164 alleles (0.0019%); highest among the groups gnomAD compares: Admixed American, 0.012%; no homozygotes.

Submission:

Labcorp Genetics (formerly Invitae), Labcorp
Classification: Uncertain significance. Last evaluated: 2026-01-06. Review status: criteria provided, single submitter. Criteria: Invitae Variant Classification Sherloc (09022015). Collection method: clinical testing. Allele origin: germline.
Comment: This sequence change replaces glutamic acid, which is acidic and polar, with lysine, which is basic and polar, at codon 180 of the TALDO1 protein (p.Glu180Lys). This variant is present in population databases (rs773580366, gnomAD 0.01%). This variant has not been reported in the literature in individuals affected with TALDO1-related conditions. Invitae Evidence Modeling of protein sequence and biophysical properties (such as structural, functional, and spatial information, amino acid conservation, physicochemical variation, residue mobility, and thermodynamic stability) indicates that this missense variant is not expected to disrupt TALDO1 protein function with a negative predictive value of 80%. In summary, the available evidence is currently insufficient to determine the role of this variant in disease. Therefore, it has been classified as a Variant of Uncertain Significance.

NM_006755.2(TALDO1):c.538G>A (p.Glu180Lys)

Genes: TALDO1 (transaldolase 1; plus strand), LOC126861110 (CDK7 strongly-dependent group 2 enhancer GRCh37_chr11:762588-763787; plus strand). Cytogenetic location: 11p15.5.
Variant type: single nucleotide variant.
Coding change: c.538G>A on transcript NM_006755.2 (MANE Select); coding-DNA position 538, G replaced by A.
Protein change: p.Glu180Lys; replaces glutamic acid 180 with lysine.
Molecular consequence: missense variant.
Genome position (GRCh38, 1-based): chr11:763,420, G>A. VCF-style: chr11-763420-G-A. GRCh37 (hg19) VCF-style: chr11-763420-G-A.
Other names: short protein forms E180K.
Identifiers: ClinVar variation 4703818 (VCV004703818.1).
Genomic context (GRCh38, chr11:763,420, plus strand): 5'-CACGGCATCCACTGCAACATGACGTTACTCTTCTCCTTCGCCCAGGCTGTGGCCTGTGCC[G>A]AGGCGGGTGTGACCCTCATCTCCCCATTTGTTGGGCGCATCCTTGATTGGCATGTGGCAA-3'
Protein context (NP_006746.1, residues 170-190): FSFAQAVACA[Glu180Lys]AGVTLISPFV